The following is an entry in ClinVar:

NM_145207.3(AFG2A):c.1869+1G>T

Gene: AFG2A (AAA ATPase AFG2A; plus strand). Cytogenetic location: 4q28.1.
Variant type: single nucleotide variant.
Coding change: c.1869+1G>T on transcript NM_145207.3 (MANE Select); the canonical splice donor site of the intron after coding-DNA position 1869, G replaced by T.
Molecular consequence: splice donor variant.
Genome position (GRCh38, 1-based): chr4:122,979,387, G>T. VCF-style: chr4-122979387-G-T. GRCh37 (hg19) VCF-style: chr4-123900542-G-T.
Other names: c.1866+1G>T (NM_001345856.2, NM_001317799.2).
Identifiers: ClinVar variation 1066766 (VCV001066766.4), dbSNP rs2125831782, ClinGen allele CA358093822.

ClinVar aggregate classification (germline): Likely pathogenic (1 of 4 stars; one submission).

Conditions:
Microcephaly-intellectual disability-sensorineural hearing loss-epilepsy-abnormal muscle tone syndrome (NEDHSB). Also called: NEURODEVELOPMENTAL DISORDER WITH HEARING LOSS, SEIZURES, AND BRAIN ABNORMALITIES. Identifiers: Orphanet 457351, MedGen C4225276, MONDO:0014698, OMIM 616577.

gnomAD v4.1: 2 of 1,613,690 alleles (0.00012%); highest among the groups gnomAD compares: Non-Finnish European, 0.000085%; no homozygotes.

Submission:

Labcorp Genetics (formerly Invitae), Labcorp
Classification: Likely pathogenic for Microcephaly-intellectual disability-sensorineural hearing loss-epilepsy-abnormal muscle tone syndrome. Last evaluated: 2022-08-16. Review status: criteria provided, single submitter. Criteria: Invitae Variant Classification Sherloc (09022015). Collection method: clinical testing. Allele origin: germline.
Comment: This sequence change affects a donor splice site in intron 10 of the SPATA5 gene. It is expected to disrupt RNA splicing. Variants that disrupt the donor or acceptor splice site typically lead to a loss of protein function (PMID: 16199547), and loss-of-function variants in SPATA5 are known to be pathogenic (PMID: 26299366). This variant is not present in population databases (gnomAD no frequency). In summary, the currently available evidence indicates that the variant is pathogenic, but additional data are needed to prove that conclusively. Therefore, this variant has been classified as Likely Pathogenic. Algorithms developed to predict the effect of sequence changes on RNA splicing suggest that this variant may disrupt the consensus splice site. ClinVar contains an entry for this variant (Variation ID: 1066766). This variant has not been reported in the literature in individuals affected with SPATA5-related conditions.

Literature cited by the submitters: PubMed 16199547; PubMed 26299366.